The following is an entry in ClinVar:

ClinVar aggregate classification (germline): Uncertain significance (1 of 4 stars; one submission).

Allele frequency attached by ClinVar (database versions not stated): gnomAD exomes below 0.00001; TOPMed below 0.00001; gnomAD 0.00001.
gnomAD v4.1: 7 of 1,613,244 alleles (0.00043%); highest among the groups gnomAD compares: African/African-American, 0.0013%; no homozygotes.

Submission:

Labcorp Genetics (formerly Invitae), Labcorp
Classification: Uncertain significance. Last evaluated: 2022-02-05. Review status: criteria provided, single submitter. Criteria: Invitae Variant Classification Sherloc (09022015). Collection method: clinical testing. Allele origin: germline.
Comment: This sequence change replaces alanine, which is neutral and non-polar, with valine, which is neutral and non-polar, at codon 153 of the TEAD1 protein (p.Ala153Val). This variant is present in population databases (no rsID available, gnomAD 0.002%). This variant has not been reported in the literature in individuals affected with TEAD1-related conditions. Algorithms developed to predict the effect of missense changes on protein structure and function (SIFT, PolyPhen-2, Align-GVGD) all suggest that this variant is likely to be tolerated. In summary, the available evidence is currently insufficient to determine the role of this variant in disease. Therefore, it has been classified as a Variant of Uncertain Significance.

NM_021961.6(TEAD1):c.458C>T (p.Ala153Val)

Gene: TEAD1 (TEA domain transcription factor 1; plus strand). Cytogenetic location: 11p15.3.
Variant type: single nucleotide variant.
Coding change: c.458C>T on transcript NM_021961.6 (MANE Select); coding-DNA position 458, C replaced by T.
Protein change: p.Ala153Val; replaces alanine 153 with valine.
Molecular consequence: missense variant.
Genome position (GRCh38, 1-based): chr11:12,879,835, C>T. VCF-style: chr11-12879835-C-T. GRCh37 (hg19) VCF-style: chr11-12901382-C-T.
Other names: short protein forms A153V.
Identifiers: ClinVar variation 1357695 (VCV001357695.8), dbSNP rs981365366, ClinGen allele CA217824219.